The following is an entry in ClinVar:

ClinVar aggregate classification (germline): Uncertain significance (1 of 4 stars; one submission).

Submission:

GeneDx
Classification: Uncertain significance. Last evaluated: 2026-03-12. Review status: criteria provided, single submitter. Criteria: GeneDx Variant Classification Process June 2021. Collection method: clinical testing. Allele origin: germline.
Comment: Not observed at significant frequency in large population cohorts (gnomAD); In silico analysis supports that this missense variant has a deleterious effect on protein structure/function; Has not been previously published as pathogenic or benign to our knowledge

NM_001003694.2(BRPF1):c.104A>G (p.Tyr35Cys)

Gene: BRPF1 (bromodomain and PHD finger containing 1; plus strand). Cytogenetic location: 3p25.3.
Variant type: single nucleotide variant.
Coding change: c.104A>G on transcript NM_001003694.2 (MANE Select); coding-DNA position 104, A replaced by G.
Protein change: p.Tyr35Cys; replaces tyrosine 35 with cysteine.
Molecular consequence: missense variant. On other transcripts: non-coding transcript variant (1).
Genome position (GRCh38, 1-based): chr3:9,734,244, A>G. VCF-style: chr3-9734244-A-G. GRCh37 (hg19) VCF-style: chr3-9775928-A-G.
Other names: c.104A>G, p.Tyr35Cys (NM_001319049.2, NM_001319050.2, NM_001410704.1 and 7 more transcripts); short protein forms Y35C.
Identifiers: ClinVar variation 5008691 (VCV005008691.1).
Genomic context (GRCh38, chr3:9,734,244, plus strand): 5'-GGGCGACTAAGCCACCATACGAGTGCCCGGTGGAGACCTGCCGAAAGGTCTACAAGAGTT[A>G]CAGTGGTATTGAGTACCACCTGTACCACTATGACCACGACAACCCACCACCCCCACAACA-3'
Protein context (NP_001003694.1, residues 25-45): VETCRKVYKS[Tyr35Cys]SGIEYHLYHY